The following is an entry in ClinVar:

ClinVar aggregate classification (germline): Likely benign. Review status: criteria provided, multiple submitters, no conflicts (2 of 4 stars). 2 submissions from 2 submitters: Likely benign (2). Last evaluated 2024-01-02.

Conditions:
Noonan syndrome 9 (NS9). Identifiers: Orphanet 648, MedGen C4225282, MONDO:0014691, OMIM 616559.

gnomAD v4.1: 2 of 1,612,782 alleles (0.00012%); highest among the groups gnomAD compares: Non-Finnish European, 0.00017%; no homozygotes.

Submissions (2):

Labcorp Genetics (formerly Invitae), Labcorp
Classification: Likely benign for Noonan syndrome 9. Last evaluated: 2024-01-02. Review status: criteria provided, single submitter. Criteria: Invitae Variant Classification Sherloc (09022015). Collection method: clinical testing. Allele origin: germline.

GeneDx
Classification: Likely benign. Last evaluated: 2017-12-14. Review status: criteria provided, single submitter. Criteria: GeneDx Variant Classification (06012015). Collection method: clinical testing. Allele origin: germline. Affected: yes.
Comment: This variant is considered likely benign or benign based on one or more of the following criteria: it is a conservative change, it occurs at a poorly conserved position in the protein, it is predicted to be benign by multiple in silico algorithms, and/or has population frequency not consistent with disease.

NM_006939.4(SOS2):c.2007T>C (p.Ser669=)

Gene: SOS2 (SOS Ras/Rho guanine nucleotide exchange factor 2; minus strand). Cytogenetic location: 14q21.3.
Variant type: single nucleotide variant.
Coding change: c.2007T>C on transcript NM_006939.4 (MANE Select); coding-DNA position 2007, T replaced by C.
Protein change: p.Ser669=; no amino-acid change (serine 669 retained).
Molecular consequence: synonymous variant.
Genome position (GRCh38, 1-based): chr14:50,157,049, A>G on the plus strand (T>C on the coding strand, the complement: SOS2 is on the minus strand). VCF-style: chr14-50157049-A-G. GRCh37 (hg19) VCF-style: chr14-50623767-A-G.
Identifiers: ClinVar variation 514119 (VCV000514119.4), dbSNP rs577622341, ClinGen allele CA486175271.
Genomic context (GRCh38, chr14:50,157,049, plus strand): 5'-CAAGCCAAACCTAAGTTGTACTGGTTGGACATATTCCTTGCGAAATCTTTTAAGGTCTGC[A>G]CTGATTGGCTGCTCGCCTTTCTCTATTGCCAATTTGTCTGCGTCAGTAGGTTCTGGCTCT-3'
Protein context (NP_008870.2, residues 659-679): LAIEKGEQPI[Ser669=]ADLKRFRKEY